The following is an entry in ClinVar:

ClinVar aggregate classification (germline): Uncertain significance (1 of 4 stars; one submission).

Allele frequency attached by ClinVar (database versions not stated): TOPMed below 0.00001.
gnomAD v4.1: 15 of 1,611,670 alleles (0.00093%); highest among the groups gnomAD compares: Non-Finnish European, 0.0013%; no homozygotes.

Submission:

Ambry Genetics
Classification: Uncertain significance. Last evaluated: 2025-08-03. Review status: criteria provided, single submitter. Criteria: Ambry Variant Classification Scheme 2023. Collection method: clinical testing. Allele origin: germline.
Comment: The p.G38A variant (also known as c.113G>C), located in coding exon 1 of the STAP1 gene, results from a G to C substitution at nucleotide position 113. The glycine at codon 38 is replaced by alanine, an amino acid with similar properties. This amino acid position is conserved. In addition, this alteration is predicted to be tolerated by in silico analysis. Since supporting evidence is limited at this time, the clinical significance of this alteration remains unclear.

NM_012108.4(STAP1):c.113G>C (p.Gly38Ala)

Gene: STAP1 (signal transducing adaptor family member 1; plus strand). Cytogenetic location: 4q13.2.
Variant type: single nucleotide variant.
Coding change: c.113G>C on transcript NM_012108.4 (MANE Select); coding-DNA position 113, G replaced by C.
Protein change: p.Gly38Ala; replaces glycine 38 with alanine.
Molecular consequence: missense variant.
Genome position (GRCh38, 1-based): chr4:67,558,922, G>C. VCF-style: chr4-67558922-G-C. GRCh37 (hg19) VCF-style: chr4-68424640-G-C.
Other names: c.113G>C, p.Gly38Ala (NM_001317769.2); short protein forms G38A.
Identifiers: ClinVar variation 1730881 (VCV001730881.3), dbSNP rs760348683, ClinGen allele CA98639890.